The following is an entry in ClinVar:

NM_138927.4(SON):c.2114T>C (p.Val705Ala)

Gene: SON (SON DNA and RNA binding protein; plus strand). Cytogenetic location: 21q22.11.
Variant type: single nucleotide variant.
Coding change: c.2114T>C on transcript NM_138927.4 (MANE Select); coding-DNA position 2114, T replaced by C.
Protein change: p.Val705Ala; replaces valine 705 with alanine.
Molecular consequence: missense variant. On other transcripts: non-coding transcript variant (1), intron variant (1).
Genome position (GRCh38, 1-based): chr21:33,551,345, T>C. VCF-style: chr21-33551345-T-C. GRCh37 (hg19) VCF-style: chr21-34923651-T-C.
Other names: c.2114T>C, p.Val705Ala (NM_001291411.2, NM_001412133.1, NM_032195.3 and 2 more transcripts); c.244+4966T>C (NM_001291412.3); short protein forms V705A.
Identifiers: ClinVar variation 2009838 (VCV002009838.4), dbSNP rs754820362, ClinGen allele CA10009028.

ClinVar aggregate classification (germline): Uncertain significance (1 of 4 stars; one submission).

Allele frequency attached by ClinVar (database versions not stated): gnomAD exomes below 0.00001; ExAC 0.00001.
gnomAD v4.1: 1 of 1,614,054 alleles (0.000062%); highest among the groups gnomAD compares: Non-Finnish European, 0.000085%; no homozygotes.

Submission:

Labcorp Genetics (formerly Invitae), Labcorp
Classification: Uncertain significance. Last evaluated: 2024-10-15. Review status: criteria provided, single submitter. Criteria: Invitae Variant Classification Sherloc (09022015). Collection method: clinical testing. Allele origin: germline.
Comment: This sequence change replaces valine, which is neutral and non-polar, with alanine, which is neutral and non-polar, at codon 705 of the SON protein (p.Val705Ala). This variant is present in population databases (rs754820362, gnomAD 0.0009%). This variant has not been reported in the literature in individuals affected with SON-related conditions. ClinVar contains an entry for this variant (Variation ID: 2009838). An algorithm developed to predict the effect of missense changes on protein structure and function (PolyPhen-2) suggests that this variant is likely to be disruptive. In summary, the available evidence is currently insufficient to determine the role of this variant in disease. Therefore, it has been classified as a Variant of Uncertain Significance.